The following is an entry in ClinVar:

ClinVar aggregate classification (germline): Uncertain significance (1 of 4 stars; one submission).

Conditions:
Weaver syndrome (WVS). Also called: Weaver Smith syndrome; Overgrowth syndrome with accelerated skeletal maturation, unusual facies, and camptodactyly. Identifiers: Orphanet 3447, MedGen C0265210, MONDO:0010193, OMIM 277590.

Submission:

Labcorp Genetics (formerly Invitae), Labcorp
Classification: Uncertain significance for Weaver syndrome. Last evaluated: 2025-08-18. Review status: criteria provided, single submitter. Criteria: Invitae Variant Classification Sherloc (09022015). Collection method: clinical testing. Allele origin: germline.
Comment: This sequence change replaces asparagine, which is neutral and polar, with serine, which is neutral and polar, at codon 309 of the EZH2 protein (p.Asn309Ser). This variant is not present in population databases (gnomAD no frequency). This variant has not been reported in the literature in individuals affected with EZH2-related conditions. Invitae Evidence Modeling of protein sequence and biophysical properties (such as structural, functional, and spatial information, amino acid conservation, physicochemical variation, residue mobility, and thermodynamic stability) indicates that this missense variant is not expected to disrupt EZH2 protein function with a negative predictive value of 80%. In summary, the available evidence is currently insufficient to determine the role of this variant in disease. Therefore, it has been classified as a Variant of Uncertain Significance.

NM_004456.5(EZH2):c.926A>G (p.Asn309Ser)

Gene: EZH2 (enhancer of zeste 2 polycomb repressive complex 2 subunit; minus strand). Cytogenetic location: 7q36.1.
Variant type: single nucleotide variant.
Coding change: c.926A>G on transcript NM_004456.5 (MANE Select); coding-DNA position 926, A replaced by G.
Protein change: p.Asn309Ser; replaces asparagine 309 with serine.
Molecular consequence: missense variant.
Genome position (GRCh38, 1-based): chr7:148,819,669, T>C on the plus strand (A>G on the coding strand, the complement: EZH2 is on the minus strand). VCF-style: chr7-148819669-T-C. GRCh37 (hg19) VCF-style: chr7-148516761-T-C.
Other names: c.911A>G, p.Asn304Ser (NM_001203247.2); c.884A>G, p.Asn295Ser (NM_001203248.2, NM_001203249.2); c.794A>G, p.Asn265Ser (NM_152998.3); short protein forms N304S, N295S, N309S, N265S.
Identifiers: ClinVar variation 4737024 (VCV004737024.1).